The following is an entry in ClinVar:

NM_001253852.3(AP4B1):c.1198+5T>C

Genes: AP4B1 (adaptor related protein complex 4 subunit beta 1; minus strand), AP4B1-AS1 (AP4B1 antisense RNA 1; plus strand). Cytogenetic location: 1p13.2.
Variant type: single nucleotide variant.
Coding change: c.1198+5T>C on transcript NM_001253852.3 (MANE Select); 5 bases into the intron after coding-DNA position 1198, T replaced by C.
Molecular consequence: intron variant.
Genome position (GRCh38, 1-based): chr1:113,898,713, A>G on the plus strand (T>C on the coding strand, the complement: AP4B1 is on the minus strand). VCF-style: chr1-113898713-A-G. GRCh37 (hg19) VCF-style: chr1-114441335-A-G.
Other names: c.1198+5T>C (NM_006594.5); c.694+5T>C (NM_001308312.2); c.901+5T>C (NM_001253853.3).
Identifiers: ClinVar variation 1385882 (VCV001385882.6), dbSNP rs1276393155, ClinGen allele CA885737577.

ClinVar aggregate classification (germline): Uncertain significance (1 of 4 stars; one submission).

Conditions:
Hereditary spastic paraplegia 47. Also called: Spastic paraplegia 47, autosomal recessive; CEREBRAL PALSY, SPASTIC QUADRIPLEGIC, 5; adaptor protein 4 (AP-4) deficiency syndrome. Identifiers: Orphanet 280763, MedGen C3279738, MONDO:0013551, OMIM 614066.

Allele frequency attached by ClinVar (database versions not stated): TOPMed below 0.00001.

Submission:

Labcorp Genetics (formerly Invitae), Labcorp
Classification: Uncertain significance for Hereditary spastic paraplegia 47. Last evaluated: 2022-08-23. Review status: criteria provided, single submitter. Criteria: Invitae Variant Classification Sherloc (09022015). Collection method: clinical testing. Allele origin: germline.
Comment: This variant is not present in population databases (gnomAD no frequency). In summary, the available evidence is currently insufficient to determine the role of this variant in disease. Therefore, it has been classified as a Variant of Uncertain Significance. Variants that disrupt the consensus splice site are a relatively common cause of aberrant splicing (PMID: 17576681, 9536098). Algorithms developed to predict the effect of sequence changes on RNA splicing suggest that this variant is not likely to affect RNA splicing. ClinVar contains an entry for this variant (Variation ID: 1385882). This variant has not been reported in the literature in individuals affected with AP4B1-related conditions. This sequence change falls in intron 7 of the AP4B1 gene. It does not directly change the encoded amino acid sequence of the AP4B1 protein. It affects a nucleotide within the consensus splice site.

Literature cited by the submitters: PubMed 17576681; PubMed 9536098.